The following is an entry in ClinVar:

ClinVar aggregate classification (germline): Uncertain significance. Review status: criteria provided, multiple submitters, no conflicts (2 of 4 stars). 2 submissions from 2 submitters: Uncertain significance (2). Last evaluated 2021-12-30.

Conditions:
Multiple mitochondrial dysfunctions syndrome 2 (MMDS2). Also called: MULTIPLE MITOCHONDRIAL DYSFUNCTIONS SYNDROME 2 WITH HYPERGLYCINEMIA. Identifiers: Orphanet 401874, MedGen C3280378, MONDO:0013675, OMIM 614299.

Allele frequency attached by ClinVar (database versions not stated): gnomAD 0.00001; gnomAD exomes 0.00001 and 0.00005; TOPMed 0.00001.
gnomAD v4.1: 65 of 1,607,014 alleles (0.004%); highest among the groups gnomAD compares: Non-Finnish European, 0.0055%; no homozygotes.

Submissions (2):

Labcorp Genetics (formerly Invitae), Labcorp
Classification: Uncertain significance. Last evaluated: 2021-12-30. Review status: criteria provided, single submitter. Criteria: Invitae Variant Classification Sherloc (09022015). Collection method: clinical testing. Allele origin: germline.
Comment: In summary, the available evidence is currently insufficient to determine the role of this variant in disease. Therefore, it has been classified as a Variant of Uncertain Significance. Algorithms developed to predict the effect of missense changes on protein structure and function (SIFT, PolyPhen-2, Align-GVGD) all suggest that this variant is likely to be tolerated. ClinVar contains an entry for this variant (Variation ID: 1029542). This variant has not been reported in the literature in individuals affected with BOLA3-related conditions. This variant is present in population databases (no rsID available, gnomAD 0.0009%). This sequence change replaces phenylalanine, which is neutral and non-polar, with leucine, which is neutral and non-polar, at codon 26 of the BOLA3 protein (p.Phe26Leu).

Baylor Genetics
Classification: Uncertain significance for Multiple mitochondrial dysfunctions syndrome 2. Last evaluated: 2019-02-21. Review status: criteria provided, single submitter. Criteria: ACMG Guidelines, 2015. Collection method: clinical testing. Allele origin: paternal. Affected: yes.
Comment: This variant was determined to be of uncertain significance according to ACMG Guidelines, 2015 [PMID:25741868].

NM_212552.3(BOLA3):c.76T>C (p.Phe26Leu)

Gene: BOLA3 (bolA family member 3; minus strand). Cytogenetic location: 2p13.1.
Variant type: single nucleotide variant.
Coding change: c.76T>C on transcript NM_212552.3 (MANE Select); coding-DNA position 76, T replaced by C.
Protein change: p.Phe26Leu; replaces phenylalanine 26 with leucine.
Molecular consequence: missense variant.
Genome position (GRCh38, 1-based): chr2:74,145,282, A>G on the plus strand (T>C on the coding strand, the complement: BOLA3 is on the minus strand). VCF-style: chr2-74145282-A-G. GRCh37 (hg19) VCF-style: chr2-74372409-A-G.
Other names: c.76T>C, p.Phe26Leu (NM_001035505.2); short protein forms F26L.
Identifiers: ClinVar variation 1029542 (VCV001029542.5), dbSNP rs965127002, ClinGen allele CA50435002.